The following is an entry in ClinVar:

NM_001256071.3(RNF213):c.10725C>T (p.His3575=)

Genes: RNF213 (ring finger protein 213; plus strand), RNF213-AS1 (RNF213 antisense RNA 1; minus strand). Cytogenetic location: 17q25.3.
Variant type: single nucleotide variant.
Coding change: c.10725C>T on transcript NM_001256071.3 (MANE Select); coding-DNA position 10725, C replaced by T.
Protein change: p.His3575=; no amino-acid change (histidine 3575 retained).
Molecular consequence: synonymous variant. On other transcripts: non-coding transcript variant (1).
Genome position (GRCh38, 1-based): chr17:80,354,165, C>T. VCF-style: chr17-80354165-C-T. GRCh37 (hg19) VCF-style: chr17-78327965-C-T.
Identifiers: ClinVar variation 758811 (VCV000758811.31), dbSNP rs371195005, ClinGen allele CA8821526.

ClinVar aggregate classification (germline): Likely benign. Review status: criteria provided, multiple submitters, no conflicts (2 of 4 stars). 3 submissions from 3 submitters: Likely benign (2). 1 of the submissions does not count toward it. Last evaluated 2025-03-01.

Conditions:
RNF213-related disorder. Also called: RNF213-related condition.

Allele frequency attached by ClinVar (database versions not stated): ESP Exome Variant Server 0.00008; gnomAD 0.00019 and 0.00026; TOPMed 0.00026; gnomAD exomes 0.00036 and 0.00051; ExAC 0.00053; 1000 Genomes Project 30x 0.00062.
gnomAD v4.1: 597 of 1,613,368 alleles (0.037%); highest among the groups gnomAD compares: Middle Eastern, 0.33%; 3 homozygotes.

Submissions (3):

CeGaT Center for Human Genetics Tuebingen
Classification: Likely benign. Last evaluated: 2025-03-01. Review status: criteria provided, single submitter. Criteria: CeGaT Center For Human Genetics Tuebingen Variant Classification Criteria Version 2. Collection method: clinical testing. Allele origin: germline. Affected: yes. Observed: 2 variant alleles.
Comment: RNF213: BP4, BP7

Labcorp Genetics (formerly Invitae), Labcorp
Classification: Likely benign. Last evaluated: 2024-05-27. Review status: criteria provided, single submitter. Criteria: Invitae Variant Classification Sherloc (09022015). Collection method: clinical testing. Allele origin: germline.

PreventionGenetics, part of Exact Sciences
Classification: Likely benign for RNF213-related condition. Last evaluated: 2019-08-08. Review status: no assertion criteria provided. Collection method: clinical testing. Allele origin: germline. Not counted in ClinVar's aggregate classification.
Comment: This variant is classified as likely benign based on ACMG/AMP sequence variant interpretation guidelines (Richards et al. 2015 PMID: 25741868, with internal and published modifications).